The following is an entry in ClinVar:

NM_000261.2(MYOC):c.55C>A (p.Gln19Lys)

Gene: MYOC (myocilin; minus strand). Cytogenetic location: 1q24.3.
Variant type: single nucleotide variant.
Coding change: c.55C>A on transcript NM_000261.2 (MANE Select); coding-DNA position 55, C replaced by A.
Protein change: p.Gln19Lys; replaces glutamine 19 with lysine.
Molecular consequence: missense variant.
Genome position (GRCh38, 1-based): chr1:171,652,557, G>T on the plus strand (C>A on the coding strand, the complement: MYOC is on the minus strand). VCF-style: chr1-171652557-G-T. GRCh37 (hg19) VCF-style: chr1-171621697-G-T.
Other names: NM_000261.2:c.55C>A; short protein forms Q19K.
Identifiers: ClinVar variation 2429755 (VCV002429755.2), dbSNP rs2527874350, ClinGen allele CA343719989.

ClinVar aggregate classification (germline): Uncertain significance (3 of 4 stars; one submission).

Conditions:
Open-angle glaucoma. Identifiers: MedGen C0017612, MONDO:0005338, HP:0012108.

Submission:

ClinGen Glaucoma Variant Curation Expert Panel
Classification: Uncertain significance for Open-angle glaucoma. Last evaluated: 2025-11-12. Review status: reviewed by expert panel. Criteria: ClinGen Glaucoma ACMG Specifications V2.0.0 Approved. Collection method: curation. Allele origin: germline. Inheritance: Autosomal dominant inheritance.
Comment: The c.55C>A variant in MYOC is a missense variant predicted to cause substitution of Glutamine by Lysine at amino acid 19 (p.Gln19Lys). This variant was not found in any genetic ancestry group of gnomAD (v4.1.0), meeting the ≤ 0.0001 threshold set for PM2_Supporting in a genetic ancestry group of at least 10,000 alleles. The REVEL score = 0.08, which was within the 0.017-0.183 range for BP4_Moderate, suggesting that the variant does not impact MYOC function. There was no functional evidence predicting a damaging or benign impact of this variant on MYOC function. 2 probands with juvenile or primary open angle glaucoma have been reported carrying this variant (PMID: 39998747), which met PS4_Supporting (≥ 2 probands). In summary, this variant met the criteria to receive a score of 0 and to be classified as a variant of uncertain significance (uncertain significance classification range -1 to 5, adapted from PMID: 32720330) for juvenile open angle glaucoma based on the ACMG/AMP criteria met, as specified by the ClinGen Glaucoma VCEP (v2.0.0, 5 Dec 2024): BP4_Moderate, PM2_Supporting, PS4_Supporting